The following is an entry in ClinVar:

NM_001127208.3(TET2):c.1899G>A (p.Met633Ile)

Genes: TET2 (tet methylcytosine dioxygenase 2; plus strand), TET2-AS1 (TET2 antisense RNA 1; minus strand). Cytogenetic location: 4q24.
Variant type: single nucleotide variant.
Coding change: c.1899G>A on transcript NM_001127208.3 (MANE Select); coding-DNA position 1899, G replaced by A.
Protein change: p.Met633Ile; replaces methionine 633 with isoleucine.
Molecular consequence: missense variant.
Genome position (GRCh38, 1-based): chr4:105,235,841, G>A. VCF-style: chr4-105235841-G-A. GRCh37 (hg19) VCF-style: chr4-106156998-G-A.
Other names: c.1899G>A, p.Met633Ile (NM_017628.4); short protein forms M633I.
Identifiers: ClinVar variation 4772976 (VCV004772976.1).

ClinVar aggregate classification (germline): Uncertain significance (1 of 4 stars; one submission).

gnomAD v4.1: 6 of 1,613,876 alleles (0.00037%); highest among the groups gnomAD compares: Non-Finnish European, 0.00051%; no homozygotes.

Submission:

Labcorp Genetics (formerly Invitae), Labcorp
Classification: Uncertain significance. Last evaluated: 2025-12-01. Review status: criteria provided, single submitter. Criteria: Invitae Variant Classification Sherloc (09022015). Collection method: clinical testing. Allele origin: germline.
Comment: This sequence change replaces methionine, which is neutral and non-polar, with isoleucine, which is neutral and non-polar, at codon 633 of the TET2 protein (p.Met633Ile). This variant is present in population databases (rs765495785, gnomAD 0.002%). This variant has not been reported in the literature in individuals affected with TET2-related conditions. An algorithm developed to predict the effect of missense changes on protein structure and function outputs the following: PolyPhen-2: "Benign". The isoleucine amino acid residue is found in multiple mammalian species, which suggests that this missense change does not adversely affect protein function. In summary, the available evidence is currently insufficient to determine the role of this variant in disease. Therefore, it has been classified as a Variant of Uncertain Significance.